The following is an entry in ClinVar:

ClinVar aggregate classification (germline): Uncertain significance. Review status: criteria provided, multiple submitters, no conflicts (2 of 4 stars). 2 submissions from 2 submitters: Uncertain significance (2). Last evaluated 2025-07-07.

Conditions:
Cardiovascular phenotype. Identifiers: MedGen CN230736.

gnomAD v4.1: 8 of 1,613,524 alleles (0.0005%); highest among the groups gnomAD compares: Non-Finnish European, 0.00068%; no homozygotes.

Submissions (2):

GeneDx
Classification: Uncertain significance. Last evaluated: 2025-07-07. Review status: criteria provided, single submitter. Criteria: GeneDx Variant Classification Process June 2021. Collection method: clinical testing. Allele origin: germline. Affected: yes.
Comment: Not observed at significant frequency in large population cohorts (gnomAD); Missense variant in a gene in which most reported pathogenic variants are truncating/loss of function; Has not been previously published as pathogenic or benign to our knowledge

Ambry Genetics
Classification: Uncertain significance for Cardiovascular phenotype. Last evaluated: 2018-11-08. Review status: criteria provided, single submitter. Criteria: Ambry Variant Classification Scheme 2023. Collection method: clinical testing. Allele origin: germline.
Comment: The p.D5393E variant (also known as c.16179T>A), located in coding exon 62 of the TTN gene, results from a T to A substitution at nucleotide position 16179. The aspartic acid at codon 5393 is replaced by glutamic acid, an amino acid with highly similar properties. This amino acid position is not well conserved in available vertebrate species, and glutamic acid is the reference amino acid in other vertebrate species. In addition, this alteration is predicted to be tolerated by in silico analysis. Since supporting evidence is limited at this time, the clinical significance of this alteration remains unclear.

NM_001267550.2(TTN):c.43374T>A (p.Asp14458Glu)

Gene: TTN (titin; minus strand). Cytogenetic location: 2q31.2.
Variant type: single nucleotide variant.
Coding change: c.43374T>A on transcript NM_001267550.2 (MANE Select); coding-DNA position 43374, T replaced by A.
Protein change: p.Asp14458Glu; replaces aspartic acid 14458 with glutamic acid.
Molecular consequence: missense variant.
Genome position (GRCh38, 1-based): chr2:178,632,632, A>T on the plus strand (T>A on the coding strand, the complement: TTN is on the minus strand). VCF-style: chr2-178632632-A-T. GRCh37 (hg19) VCF-style: chr2-179497359-A-T.
Other names: c.38451T>A, p.Asp12817Glu (NM_001256850.1); c.16179T>A, p.Asp5393Glu (NM_003319.4); c.35670T>A, p.Asp11890Glu (NM_133378.4); c.16554T>A, p.Asp5518Glu (NM_133432.3); c.16755T>A, p.Asp5585Glu (NM_133437.4); short protein forms D5585E, D11890E, D5393E, D12817E, D14458E, D5518E.
Identifiers: ClinVar variation 1776508 (VCV001776508.3), dbSNP rs1407605671, ClinGen allele CA349650984.